The following is an entry in ClinVar:

ClinVar aggregate classification (germline): Uncertain significance. Review status: criteria provided, multiple submitters, no conflicts (2 of 4 stars). 2 submissions from 2 submitters: Uncertain significance (2). Last evaluated 2025-09-24.

Conditions:
Neurofibromatosis, type 2 (SWNV). Also called: BILATERAL ACOUSTIC NEUROFIBROMATOSIS; SCHWANNOMATOSIS, VESTIBULAR; NF2-Related Schwannomatosis. Identifiers: Orphanet 637, MedGen C0027832, MONDO:0007039, OMIM 101000. Disease mechanism: loss of function.
Hereditary cancer-predisposing syndrome. Also called: Neoplastic Syndromes, Hereditary; Hereditary Cancer Syndrome; Tumor predisposition; Hereditary neoplastic syndrome. Identifiers: Orphanet 140162, MedGen C0027672, MeSH D009386, MONDO:0015356.

gnomAD v4.1: 1 of 1,563,686 alleles (0.000064%); highest among the groups gnomAD compares: African/African-American, 0.0014%; no homozygotes.

Submissions (2):

Labcorp Genetics (formerly Invitae), Labcorp
Classification: Uncertain significance for Neurofibromatosis, type 2. Last evaluated: 2025-09-24. Review status: criteria provided, single submitter. Criteria: Invitae Variant Classification Sherloc (09022015). Collection method: clinical testing. Allele origin: germline.
Comment: This sequence change replaces lysine, which is basic and polar, with threonine, which is neutral and polar, at codon 455 of the NF2 protein (p.Lys455Thr). This variant is not present in population databases (gnomAD no frequency). This variant has not been reported in the literature in individuals affected with NF2-related conditions. ClinVar contains an entry for this variant (Variation ID: 2587707). Invitae Evidence Modeling of protein sequence and biophysical properties (such as structural, functional, and spatial information, amino acid conservation, physicochemical variation, residue mobility, and thermodynamic stability) indicates that this missense variant is not expected to disrupt NF2 protein function with a negative predictive value of 80%. In summary, the available evidence is currently insufficient to determine the role of this variant in disease. Therefore, it has been classified as a Variant of Uncertain Significance.

Ambry Genetics
Classification: Uncertain significance for Hereditary cancer-predisposing syndrome. Last evaluated: 2023-07-29. Review status: criteria provided, single submitter. Criteria: Ambry Variant Classification Scheme 2023. Collection method: clinical testing. Allele origin: germline.
Comment: The p.K455T variant (also known as c.1364A>C), located in coding exon 13 of the NF2 gene, results from an A to C substitution at nucleotide position 1364. The lysine at codon 455 is replaced by threonine, an amino acid with similar properties. This amino acid position is conserved. In addition, the in silico prediction for this alteration is inconclusive. Since supporting evidence is limited at this time, the clinical significance of this alteration remains unclear.

NM_000268.4(NF2):c.1364A>C (p.Lys455Thr)

Gene: NF2 (NF2, moesin-ezrin-radixin like (MERLIN) tumor suppressor; plus strand). Cytogenetic location: 22q12.2.
Variant type: single nucleotide variant.
Coding change: c.1364A>C on transcript NM_000268.4 (MANE Select); coding-DNA position 1364, A replaced by C.
Protein change: p.Lys455Thr; replaces lysine 455 with threonine.
Molecular consequence: missense variant. On other transcripts: non-coding transcript variant (1), intron variant (1).
Genome position (GRCh38, 1-based): chr22:29,674,859, A>C. VCF-style: chr22-29674859-A-C. GRCh37 (hg19) VCF-style: chr22-30070848-A-C.
Other names: c.830A>C, p.Lys277Thr (NM_001407065.1); c.1364A>C, p.Lys455Thr (NM_001407066.1, NM_016418.5, NM_181825.3 and 2 more transcripts); c.1133A>C, p.Lys378Thr (NM_001407067.1); c.1238A>C, p.Lys413Thr (NM_181828.3, NM_001407055.1); c.1241A>C, p.Lys414Thr (NM_181829.3, NM_001407054.1, NM_001407058.1); c.1115A>C, p.Lys372Thr (NM_181830.3, NM_181831.3, NM_001407063.1 and 1 more transcripts); c.448-19893A>C (NM_181833.3); c.1250A>C, p.Lys417Thr (NM_001407053.1, NM_001407056.1); and 2 more; short protein forms K413T, K414T, K277T, K378T, K369T, K410T, K417T, K455T.
Identifiers: ClinVar variation 2587707 (VCV002587707.5), dbSNP rs1318882444, ClinGen allele CA411148883.